The following is an entry in ClinVar:

NC_000009.11:g.(?_6533017)_(6533180_?)del

Gene: GLDC (glycine decarboxylase; minus strand). Cytogenetic location: 9p24.1.
Variant type: Deletion.
Identifiers: ClinVar variation 3245138 (VCV003245138.1).

ClinVar aggregate classification (germline): Pathogenic (1 of 4 stars; one submission).

Conditions:
Glycine encephalopathy. Also called: Nonketotic hyperglycinemia; Non-ketotic hyperglycinemia. Identifiers: Orphanet 407, MedGen C0751748, MONDO:0011612, HP:0008288.

Submission:

Labcorp Genetics (formerly Invitae), Labcorp
Classification: Pathogenic for Glycine encephalopathy. Last evaluated: 2023-04-18. Review status: criteria provided, single submitter. Criteria: Invitae Variant Classification Sherloc (09022015). Collection method: clinical testing. Allele origin: unknown.
Comment: In summary, the available evidence is currently insufficient to determine the role of this variant in disease. Therefore, it has been classified as a Variant of Uncertain Significance. A similar copy number variant has been observed in individual(s) with nonketotic hyperglycinemia (PMID: 27362913). This variant is a gross deletion of the genomic region encompassing exon(s) 25 of the GLDC gene, which includes the termination codon. This deletion extends beyond the assayed region for this gene and therefore may encompass additional genes. While this deletion is not anticipated to lead to nonsense mediated decay, it is expected to alter mRNA translation or result in a truncated protein product. This variant disrupts a region of the GLDC protein in which other variant(s) (p.Gly994Arg) have been determined to be pathogenic (PMID: 26179960, 27362913, 28244183). This suggests that this is a clinically significant region of the protein, and that variants that disrupt it are likely to be disease-causing.

Literature cited by the submitters: PubMed 27362913; PubMed 26179960; PubMed 28244183.